The following is an entry in ClinVar:

ClinVar aggregate classification (germline): Likely pathogenic. Review status: criteria provided, multiple submitters, no conflicts (2 of 4 stars). 2 submissions from 2 submitters: Likely pathogenic (2). Last evaluated 2023-12-05.

Conditions:
KCNC1-related disorder. Also called: KCNC1-Related Disorders; KCNC1-related condition. Identifiers: MedGen CN381541.

Submissions (2):

GeneDx
Classification: Likely pathogenic. Last evaluated: 2023-12-05. Review status: criteria provided, single submitter. Criteria: GeneDx Variant Classification Process June 2021. Collection method: clinical testing. Allele origin: germline. Affected: yes.
Comment: Published functional studies suggest a damaging effect with gain of function at the ion channel level that could impair highfrequency firing (PMID: 36419348); Not observed at significant frequency in large population cohorts (gnomAD); In silico analysis supports that this missense variant does not alter protein structure/function; This variant is associated with the following publications: (PMID: 36419348, 37203213)

Clinical Genomics Laboratory, Stanford Medicine
Classification: Likely pathogenic for KCNC1-related disorders. Last evaluated: 2022-02-07. Review status: criteria provided, single submitter. Criteria: ACMG Guidelines, 2015. Collection method: clinical testing. Allele origin: de novo. Inheritance: Autosomal dominant inheritance. Affected: yes. Observed: 1 variant allele, 1 heterozygote.
Comment: This variant was absent from large population databases, including the Genome Aggregation Database. This variant is located in the helical transmembrane segment S6 of KCNC1. Other pathogenic and likely pathogenic variants have been described in this domain and disrupt the function of KCNC1. The KCNC1 gene has fewer missense variants in the general population than expected. A low rate of missense variation may suggest that this gene is intolerant to missense variation. Computational tools predict that this variant is deleterious; however, the accuracy of in silico algorithms is limited. These data were assessed using the ACMG/AMP variant interpretation guidelines. In summary, there is sufficient evidence to classify the p.Met430Ile variant as likely pathogenic for KCNC1-related disorders in an autosomal dominant manner based on the information above. [ACMG evidence codes used: PS2_supporting; PM1; PM2; PP3]

NM_001112741.2(KCNC1):c.1290G>A (p.Met430Ile)

Gene: KCNC1 (potassium voltage-gated channel subfamily C member 1; plus strand). Cytogenetic location: 11p15.1.
Variant type: single nucleotide variant.
Coding change: c.1290G>A on transcript NM_001112741.2 (MANE Select); coding-DNA position 1290, G replaced by A.
Protein change: p.Met430Ile; replaces methionine 430 with isoleucine.
Molecular consequence: missense variant.
Genome position (GRCh38, 1-based): chr11:17,772,384, G>A. VCF-style: chr11-17772384-G-A. GRCh37 (hg19) VCF-style: chr11-17793931-G-A.
Other names: c.1290G>A, p.Met430Ile (NM_004976.4); short protein forms M430I.
Identifiers: ClinVar variation 3365213 (VCV003365213.2).